The following is an entry in ClinVar:

ClinVar aggregate classification (germline): Uncertain significance. Review status: criteria provided, multiple submitters, no conflicts (2 of 4 stars). 3 submissions from 3 submitters: Uncertain significance (3). Last evaluated 2026-05-28.

Conditions:
Inborn genetic diseases. Identifiers: MedGen C0950123, MeSH D030342.
Polycystic kidney disease, adult type (PKD1). Also called: POLYCYSTIC KIDNEY DISEASE 1 WITH OR WITHOUT POLYCYSTIC LIVER DISEASE; POLYCYSTIC KIDNEY DISEASE, ADULT, TYPE I; Polycystic Kidney Disease 1, Autosomal Dominant; Polycystic kidney disease 1; Polycystic kidney disease 1, severe; Polycystic Kidney, Autosomal Dominant. Identifiers: MedGen C3149841, MONDO:0008263, OMIM 173900.

Allele frequency attached by ClinVar (database versions not stated): TOPMed 0.00002.
gnomAD v4.1: 4 of 1,608,764 alleles (0.00025%); highest among the groups gnomAD compares: Admixed American, 0.0033%; no homozygotes.

Submissions (3):

Ambry Genetics
Classification: Uncertain significance for Inborn genetic diseases. Last evaluated: 2026-05-28. Review status: criteria provided, single submitter. Criteria: Ambry Variant Classification Scheme 2023. Collection method: clinical testing. Allele origin: germline.
Comment: The c.12146C>T (p.S4049F) alteration is located in exon 45 (coding exon 45) of the PKD1 gene. This alteration results from a C to T substitution at nucleotide position 12146, causing the serine (S) at amino acid position 4049 to be replaced by a phenylalanine (F). Based on data from gnomAD, the T allele has an overall frequency of 0.001% (2/240710) total alleles studied. The highest observed frequency was 0.003% (1/30470) of South Asian alleles. Based on insufficient or conflicting evidence, the clinical significance of this alteration remains unclear.

Fulgent Genetics
Classification: Uncertain significance for Polycystic kidney disease, adult type. Last evaluated: 2022-01-12. Review status: criteria provided, single submitter. Criteria: ACMG Guidelines, 2015. Collection method: clinical testing. Allele origin: unknown.

GeneDx
Classification: Uncertain significance. Last evaluated: 2017-03-15. Review status: criteria provided, single submitter. Criteria: GeneDx Variant Classification (06012015). Collection method: clinical testing. Allele origin: germline. Affected: yes.
Comment: The S4050F variant in the PKD1 gene has not been reported previously as a pathogenic variant, nor as a benign variant, to our knowledge. The S4050F variant is observed in 1/16042 (0.006%) alleles from individuals of South Asian background, in the ExAC dataset (Lek et al., 2016). The S4050F variant is a non-conservative amino acid substitution, which is likely to impact secondary protein structure as these residues differ in polarity, charge, size and/or other properties. This substitution occurs at a position where amino acids with similar properties to Serine are tolerated across species. In silico analysis predicts this variant is probably damaging to the protein structure/function. We interpret S4050F as a variant of uncertain significance.

NM_001009944.3(PKD1):c.12149C>T (p.Ser4050Phe)

Gene: PKD1 (polycystin 1, transient receptor potential channel interacting; minus strand). Cytogenetic location: 16p13.3.
Variant type: single nucleotide variant.
Coding change: c.12149C>T on transcript NM_001009944.3 (MANE Select); coding-DNA position 12149, C replaced by T.
Protein change: p.Ser4050Phe; replaces serine 4050 with phenylalanine.
Molecular consequence: missense variant.
Genome position (GRCh38, 1-based): chr16:2,090,580, G>A on the plus strand (C>T on the coding strand, the complement: PKD1 is on the minus strand). VCF-style: chr16-2090580-G-A. GRCh37 (hg19) VCF-style: chr16-2140581-G-A.
Other names: c.12146C>T, p.Ser4049Phe (NM_000296.4); c.12146C>T (NM_000296.3); short protein forms S4050F, S4049F.
Identifiers: ClinVar variation 424250 (VCV000424250.4), dbSNP rs186160250, ClinGen allele CA7828752.